The following is an entry in ClinVar:

ClinVar aggregate classification (germline): Uncertain significance (1 of 4 stars; one submission).

Submission:

Labcorp Genetics (formerly Invitae), Labcorp
Classification: Uncertain significance. Last evaluated: 2024-02-06. Review status: criteria provided, single submitter. Criteria: Invitae Variant Classification Sherloc (09022015). Collection method: clinical testing. Allele origin: germline.
Comment: This sequence change replaces phenylalanine, which is neutral and non-polar, with leucine, which is neutral and non-polar, at codon 1719 of the USH2A protein (p.Phe1719Leu). This variant is not present in population databases (gnomAD no frequency). This variant has not been reported in the literature in individuals affected with USH2A-related conditions. Advanced modeling of protein sequence and biophysical properties (such as structural, functional, and spatial information, amino acid conservation, physicochemical variation, residue mobility, and thermodynamic stability) has been performed at Invitae for this missense variant, however the output from this modeling did not meet the statistical confidence thresholds required to predict the impact of this variant on USH2A protein function. In summary, the available evidence is currently insufficient to determine the role of this variant in disease. Therefore, it has been classified as a Variant of Uncertain Significance.

NM_206933.4(USH2A):c.5157C>A (p.Phe1719Leu)

Genes: USH2A (usherin; minus strand), USH2A-AS2 (USH2A antisense RNA 2; plus strand). Cytogenetic location: 1q41.
Variant type: single nucleotide variant.
Coding change: c.5157C>A on transcript NM_206933.4 (MANE Select); coding-DNA position 5157, C replaced by A.
Protein change: p.Phe1719Leu; replaces phenylalanine 1719 with leucine.
Molecular consequence: missense variant.
Genome position (GRCh38, 1-based): chr1:216,084,708, G>T on the plus strand (C>A on the coding strand, the complement: USH2A is on the minus strand). VCF-style: chr1-216084708-G-T. GRCh37 (hg19) VCF-style: chr1-216258050-G-T.
Other names: short protein forms F1719L.
Identifiers: ClinVar variation 3633760 (VCV003633760.2).